The following is an entry in ClinVar:

ClinVar aggregate classification (germline): Uncertain significance (1 of 4 stars; one submission).

Allele frequency attached by ClinVar (database versions not stated): gnomAD exomes below 0.00001; TOPMed below 0.00001; gnomAD 0.00001.
gnomAD v4.1: 9 of 1,614,072 alleles (0.00056%); highest among the groups gnomAD compares: African/African-American, 0.0013%; no homozygotes.

Submission:

Labcorp Genetics (formerly Invitae), Labcorp
Classification: Uncertain significance. Last evaluated: 2023-09-22. Review status: criteria provided, single submitter. Criteria: Invitae Variant Classification Sherloc (09022015). Collection method: clinical testing. Allele origin: germline.
Comment: This sequence change replaces arginine, which is basic and polar, with glutamine, which is neutral and polar, at codon 176 of the IRF4 protein (p.Arg176Gln). This variant is not present in population databases (gnomAD no frequency). This variant has not been reported in the literature in individuals affected with IRF4-related conditions. An algorithm developed to predict the effect of missense changes on protein structure and function (PolyPhen-2) suggests that this variant is likely to be disruptive. In summary, the available evidence is currently insufficient to determine the role of this variant in disease. Therefore, it has been classified as a Variant of Uncertain Significance.

NM_002460.4(IRF4):c.527G>A (p.Arg176Gln)

Gene: IRF4 (interferon regulatory factor 4; plus strand). Cytogenetic location: 6p25.3.
Variant type: single nucleotide variant.
Coding change: c.527G>A on transcript NM_002460.4 (MANE Select); coding-DNA position 527, G replaced by A.
Protein change: p.Arg176Gln; replaces arginine 176 with glutamine.
Molecular consequence: missense variant. On other transcripts: non-coding transcript variant (1).
Genome position (GRCh38, 1-based): chr6:397,142, G>A. VCF-style: chr6-397142-G-A. GRCh37 (hg19) VCF-style: chr6-397142-G-A.
Other names: c.524G>A, p.Arg175Gln (NM_001195286.2); short protein forms R176Q, R175Q.
Identifiers: ClinVar variation 2877004 (VCV002877004.3), dbSNP rs999945656, ClinGen allele CA133332970.
Genomic context (GRCh38, chr6:397,142, plus strand): 5'-TCTCAGCCTCTCCTGCACTCCTTTAGCAGGTTCACAACTACATGATGCCACCCCTCGACC[G>A]AAGCTGGAGGGACTACGTCCCGGATCAGCCACACCCGGAAATCCCGTACCAATGTCCCAT-3'
Protein context (NP_002451.2, residues 166-186): VHNYMMPPLD[Arg176Gln]SWRDYVPDQP